The following is an entry in ClinVar:

ClinVar aggregate classification (germline): Likely pathogenic (1 of 4 stars; one submission).

Conditions:
Gaucher disease. Also called: Acute cerebral Gaucher disease; Cerebroside lipidosis syndrome; Gaucher splenomegaly; Sphingolipidosis 1; Glucocerebrosidosis; Glucosylceramidase deficiency. Identifiers: Orphanet 355, MedGen C0017205, MONDO:0018150.

Submission:

Natera, Inc.
Classification: Likely pathogenic for Gaucher disease. Last evaluated: 2024-05-28. Review status: criteria provided, single submitter. Criteria: Natera Variant Classification Schema (03/2026). Collection method: clinical testing. Allele origin: germline.
Comment: The c.425del variant in GBA1 is a frameshift variant predicted to shift the reading frame beginning at codon 142 and leads to a stop codon 58 codons downstream. This variant is expected to result in nonsense mediated decay, truncation, or a dysfunctional protein product. This variant is rare in the general population with a frequency below the threshold expected for the associated phenotype(s). Given the available evidence, this variant is classified as Likely Pathogenic.

NM_000157.4(GBA1):c.425del (p.Leu142fs)

Genes: GBA1 (glucosylceramidase beta 1; minus strand), LOC106627981 (GBA recombination region; plus strand). Cytogenetic location: 1q22.
Variant type: Deletion.
Coding change: c.425del on transcript NM_000157.4 (MANE Select); coding-DNA position 425, one base deleted (T; older notation c.425delT).
Protein change: p.Leu142fs; shifts the reading frame from leucine 142.
Molecular consequence: frameshift variant. On other transcripts: intron variant (1).
Genome position (GRCh38, 1-based): chr1:155,239,645, A deleted on the plus strand (T on the coding strand, the reverse complement: GBA1 is on the minus strand); the first of 3 consecutive A bases (chr1:155,239,645-155,239,647); deleting any one gives the same sequence. VCF-style (leftmost placement, unchanged base first): chr1-155239644-CA-C. GRCh37 (hg19) VCF-style: chr1-155209435-CA-C.
Other names: c.425del, p.Leu142fs (NM_001005741.3, NM_001005742.3); c.164del, p.Leu55fs (NM_001171811.2); c.307+241del (NM_001171812.2); short protein forms L142fs, L55fs.
Identifiers: ClinVar variation 4817760 (VCV004817760.1).